The following is an entry in ClinVar:

ClinVar aggregate classification (germline): Pathogenic/Likely pathogenic. Review status: criteria provided, multiple submitters, no conflicts (2 of 4 stars). 2 submissions from 2 submitters: Pathogenic (1); Likely pathogenic (1). Last evaluated 2015-09-17.

Submissions (2):

Stanford Center for Inherited Cardiovascular Disease, Stanford University
Classification: Likely pathogenic. Last evaluated: 2015-09-17. Review status: criteria provided, single submitter. Criteria: ACMG Guidelines, 2015. Collection method: provider interpretation. Allele origin: germline.

GeneDx
Classification: Pathogenic. Last evaluated: 2015-08-05. Review status: criteria provided, single submitter. Criteria: GeneDx Variant Classification (06012015). Collection method: clinical testing. Allele origin: germline. Affected: yes.
Comment: Although the c.443delC deletion in the NKX2-5 gene has not been reported to our knowledge, thisvariant causes a shift in reading frame starting at codon Alanine 148, changing it to a Glycine andcreating a premature stop codon at position 28 of the new reading frame, denoted p.Ala148GlyfsX28. Thisdeletion is expected to result in an abnormal, truncated protein product. Additionally, other truncatingvariants in the NKX2-5 gene downstream of this deletion have been reported in the Human GeneMutation Database in association with disease (Stenson et al., 2014). Furthermore, the c.443delC variant was not observed in approximately 6,500 individuals of European and African American ancestry in theNHLBI Exome Sequencing Project, indicating it is not a common benign variant in these populations.In summary, c.443delC in the NKX2-5 gene is interpreted as a pathogenic variant.

NM_004387.4(NKX2-5):c.443del (p.Ala148fs)

Gene: NKX2-5 (NK2 homeobox 5; minus strand). Cytogenetic location: 5q35.1.
Variant type: Deletion.
Coding change: c.443del on transcript NM_004387.4 (MANE Select); coding-DNA position 443, one base deleted (C; older notation c.443delC).
Protein change: p.Ala148fs; shifts the reading frame from alanine 148.
Molecular consequence: frameshift variant. On other transcripts: 3 prime UTR variant (2).
Genome position (GRCh38, 1-based): chr5:173,233,101, G deleted on the plus strand (C on the coding strand, the reverse complement: NKX2-5 is on the minus strand). VCF-style (leftmost placement, unchanged base first): chr5-173233100-CG-C. GRCh37 (hg19) VCF-style: chr5-172660103-CG-C.
Other names: c.*396del (NM_001166175.2); c.*242del (NM_001166176.2); short protein forms A148fs.
Identifiers: ClinVar variation 235042 (VCV000235042.3), dbSNP rs876661381, ClinGen allele CA10581147.